The following is an entry in ClinVar:

ClinVar aggregate classification (germline): Uncertain significance (1 of 4 stars; one submission).

gnomAD v4.1: 13 of 1,612,092 alleles (0.00081%); highest among the groups gnomAD compares: South Asian, 0.0055%; no homozygotes.

Submission:

Labcorp Genetics (formerly Invitae), Labcorp
Classification: Uncertain significance. Last evaluated: 2024-05-21. Review status: criteria provided, single submitter. Criteria: Invitae Variant Classification Sherloc (09022015). Collection method: clinical testing. Allele origin: germline.
Comment: This sequence change replaces arginine, which is basic and polar, with lysine, which is basic and polar, at codon 619 of the PACS2 protein (p.Arg619Lys). This variant is present in population databases (rs782655286, gnomAD 0.0009%). This variant has not been reported in the literature in individuals affected with PACS2-related conditions. Advanced modeling of protein sequence and biophysical properties (such as structural, functional, and spatial information, amino acid conservation, physicochemical variation, residue mobility, and thermodynamic stability) performed at Invitae indicates that this missense variant is not expected to disrupt PACS2 protein function with a negative predictive value of 80%. In summary, the available evidence is currently insufficient to determine the role of this variant in disease. Therefore, it has been classified as a Variant of Uncertain Significance.

NM_001100913.3(PACS2):c.1856G>A (p.Arg619Lys)

Gene: PACS2 (phosphofurin acidic cluster sorting protein 2; plus strand). Cytogenetic location: 14q32.33.
Variant type: single nucleotide variant.
Coding change: c.1856G>A on transcript NM_001100913.3 (MANE Select); coding-DNA position 1856, G replaced by A.
Protein change: p.Arg619Lys; replaces arginine 619 with lysine.
Molecular consequence: missense variant.
Genome position (GRCh38, 1-based): chr14:105,384,428, G>A. VCF-style: chr14-105384428-G-A. GRCh37 (hg19) VCF-style: chr14-105850765-G-A.
Other names: c.1619G>A, p.Arg540Lys (NM_001243127.3); c.1844G>A, p.Arg615Lys (NM_015197.4); short protein forms R540K, R615K, R619K.
Identifiers: ClinVar variation 3621274 (VCV003621274.2).